The following is an entry in ClinVar:

NM_000218.3(KCNQ1):c.1393+31369del

Genes: KCNQ1 (potassium voltage-gated channel subfamily Q member 1; plus strand), KCNQ1OT1 (KCNQ1 opposite strand/antisense transcript 1; minus strand). Cytogenetic location: 11p15.5.
Variant type: Deletion.
Coding change: c.1393+31369del on transcript NM_000218.3 (MANE Select); 31369 bases into the intron after coding-DNA position 1393, one base deleted (T; older notation c.1393+31369delT).
Molecular consequence: intron variant. On other transcripts: non-coding transcript variant (1).
Genome position (GRCh38, 1-based): chr11:2,620,223, T deleted; the last of 12 consecutive T bases (chr11:2,620,212-2,620,223); deleting any one gives the same sequence. VCF-style (leftmost placement, unchanged base first): chr11-2620211-AT-A. GRCh37 (hg19) VCF-style: chr11-2641441-AT-A.
Other names: c.1123+31369del (NM_001406837.1); c.1297+31369del (NM_001406836.1); c.853+31369del (NM_001406838.1); c.1012+31369del (NM_181798.2).
Identifiers: ClinVar variation 2641382 (VCV002641382.24), dbSNP rs1312458170, ClinGen allele CA675034981.

ClinVar aggregate classification (germline): Benign (1 of 4 stars; one submission).

Submission:

CeGaT Center for Human Genetics Tuebingen
Classification: Benign. Last evaluated: 2026-07-01. Review status: criteria provided, single submitter. Criteria: CeGaT Center For Human Genetics Tuebingen Variant Classification Criteria Version 2. Collection method: clinical testing. Allele origin: germline. Affected: yes. Observed: 12 variant alleles.
Comment: KCNQ1OT1: BS1, BS2